The following is an entry in ClinVar:

ClinVar aggregate classification (germline): Uncertain significance (1 of 4 stars; one submission).

Allele frequency attached by ClinVar (database versions not stated): TOPMed below 0.00001; gnomAD 0.00001.
gnomAD v4.1: 3 of 1,613,878 alleles (0.00019%); highest among the groups gnomAD compares: Non-Finnish European, 0.00025%; no homozygotes.

Submission:

Labcorp Genetics (formerly Invitae), Labcorp
Classification: Uncertain significance. Last evaluated: 2024-01-01. Review status: criteria provided, single submitter. Criteria: Invitae Variant Classification Sherloc (09022015). Collection method: clinical testing. Allele origin: germline.
Comment: This sequence change falls in intron 24 of the CLTC gene. It does not directly change the encoded amino acid sequence of the CLTC protein. It affects a nucleotide within the consensus splice site. This variant is not present in population databases (gnomAD no frequency). This variant has not been reported in the literature in individuals affected with CLTC-related conditions. Variants that disrupt the consensus splice site are a relatively common cause of aberrant splicing (PMID: 17576681, 9536098). Algorithms developed to predict the effect of sequence changes on RNA splicing suggest that this variant is not likely to affect RNA splicing. In summary, the available evidence is currently insufficient to determine the role of this variant in disease. Therefore, it has been classified as a Variant of Uncertain Significance.

Literature cited by the submitters: PubMed 17576681; PubMed 9536098.

NM_004859.4(CLTC):c.3874-3C>T

Gene: CLTC (clathrin heavy chain; plus strand). Cytogenetic location: 17q23.1.
Variant type: single nucleotide variant.
Coding change: c.3874-3C>T on transcript NM_004859.4 (MANE Select); 3 bases into the intron before coding-DNA position 3874, C replaced by T.
Molecular consequence: intron variant.
Genome position (GRCh38, 1-based): chr17:59,683,092, C>T. VCF-style: chr17-59683092-C-T. GRCh37 (hg19) VCF-style: chr17-57760453-C-T.
Other names: c.3886-3C>T (NM_001288653.2).
Identifiers: ClinVar variation 2838410 (VCV002838410.3), dbSNP rs2033112960, ClinGen allele CA985114839.